The following is an entry in ClinVar:

NM_024301.5(FKRP):c.692G>A (p.Trp231Ter)

Gene: FKRP (fukutin related protein; plus strand). Cytogenetic location: 19q13.32.
Variant type: single nucleotide variant.
Coding change: c.692G>A on transcript NM_024301.5 (MANE Select); coding-DNA position 692, G replaced by A.
Protein change: p.Trp231Ter; replaces tryptophan 231 with a stop codon.
Molecular consequence: nonsense.
Genome position (GRCh38, 1-based): chr19:46,756,142, G>A. VCF-style: chr19-46756142-G-A. GRCh37 (hg19) VCF-style: chr19-47259399-G-A.
Other names: c.692G>A, p.Trp231Ter (NM_001039885.3); short protein forms W231*.
Identifiers: ClinVar variation 1929555 (VCV001929555.6), dbSNP rs2513991038, ClinGen allele CA406495818.

ClinVar aggregate classification (germline): Pathogenic. Review status: criteria provided, multiple submitters, no conflicts (2 of 4 stars). 2 submissions from 2 submitters: Pathogenic (2). Last evaluated 2025-09-28.

Conditions:
Muscular dystrophy-dystroglycanopathy (congenital with brain and eye anomalies), type A5. Also called: MUSCULAR DYSTROPHY-DYSTROGLYCANOPATHY (CONGENITAL WITH BRAIN AND EYE ANOMALIES), TYPE A, 5; WALKER-WARBURG SYNDROME OR MUSCLE-EYE-BRAIN DISEASE, FKRP-RELATED. Identifiers: Orphanet 588, Orphanet 899, MedGen C3150413, MONDO:0013157, OMIM 613153.
Muscular dystrophy-dystroglycanopathy type B5 (MDDGB5). Also called: MUSCULAR DYSTROPHY-DYSTROGLYCANOPATHY (CONGENITAL WITH OR WITHOUT IMPAIRED INTELLECTUAL DEVELOPMENT), TYPE B, 5; MUSCULAR DYSTROPHY, CONGENITAL, 1C; MUSCULAR DYSTROPHY, CONGENITAL, FKRP-RELATED. Identifiers: MedGen C1847759, MONDO:0011688, OMIM 606612.
Autosomal recessive limb-girdle muscular dystrophy type 2I. Also called: MUSCULAR DYSTROPHY-DYSTROGLYCANOPATHY (LIMB-GIRDLE), TYPE C, 5; MUSCULAR DYSTROPHY-DYSTROGLYCANOPATHY, LIMB-GIRDLE, FRKP-RELATED; MUSCULAR DYSTROPHY, LIMB-GIRDLE, TYPE 2I. Identifiers: Orphanet 34515, MedGen C1846672, MONDO:0011787, OMIM 607155.
Walker-Warburg congenital muscular dystrophy. Also called: Muscular dystrophy-dystroglycanopathy, type A; Walker-Warburg syndrome. Identifiers: Orphanet 899, MedGen C0265221, MONDO:0000171.

Submissions (2):

Labcorp Genetics (formerly Invitae), Labcorp
Classification: Pathogenic for Walker-Warburg congenital muscular dystrophy. Last evaluated: 2025-09-28. Review status: criteria provided, single submitter. Criteria: Invitae Variant Classification Sherloc (09022015). Collection method: clinical testing. Allele origin: germline.
Comment: This sequence change creates a premature translational stop signal (p.Trp231*) in the FKRP gene. While this is not anticipated to result in nonsense mediated decay, it is expected to disrupt the last 265 amino acid(s) of the FKRP protein. This variant is not present in population databases (gnomAD no frequency). This premature translational stop signal has been observed in individual(s) with clinical features of muscular dystrophy-dystroglycanopathy (PMID: 32351701). ClinVar contains an entry for this variant (Variation ID: 1929555). This variant disrupts a region of the FKRP protein in which other variant(s) (p.Ile478Thr) have been determined to be pathogenic (PMID: 16476814, 18639457, 19299310). This suggests that this is a clinically significant region of the protein, and that variants that disrupt it are likely to be disease-causing. For these reasons, this variant has been classified as Pathogenic.

Fulgent Genetics
Classification: Pathogenic for Muscular dystrophy-dystroglycanopathy type B5; Autosomal recessive limb-girdle muscular dystrophy type 2I; Muscular dystrophy-dystroglycanopathy (congenital with brain and eye anomalies), type A5. Last evaluated: 2024-06-11. Review status: criteria provided, single submitter. Criteria: ACMG Guidelines, 2015. Collection method: clinical testing. Allele origin: germline.

Literature cited by the submitters: PubMed 32351701 (cited by Labcorp Genetics (formerly Invitae), Labcorp); PubMed 16476814 (cited by Labcorp Genetics (formerly Invitae), Labcorp); PubMed 18639457 (cited by Labcorp Genetics (formerly Invitae), Labcorp); PubMed 19299310 (cited by Labcorp Genetics (formerly Invitae), Labcorp).